The following is an entry in ClinVar:

NM_020184.4(CNNM4):c.13G>T (p.Gly5Cys)

Gene: CNNM4 (cyclin and CBS domain divalent metal cation transport mediator 4; plus strand). Cytogenetic location: 2q11.2.
Variant type: single nucleotide variant.
Coding change: c.13G>T on transcript NM_020184.4 (MANE Select); coding-DNA position 13, G replaced by T.
Protein change: p.Gly5Cys; replaces glycine 5 with cysteine.
Molecular consequence: missense variant.
Genome position (GRCh38, 1-based): chr2:96,761,012, G>T. VCF-style: chr2-96761012-G-T. GRCh37 (hg19) VCF-style: chr2-97426749-G-T.
Other names: short protein forms G5C.
Identifiers: ClinVar variation 1361444 (VCV001361444.8), dbSNP rs2078754724, ClinGen allele CA347710346.

ClinVar aggregate classification (germline): Uncertain significance (1 of 4 stars; one submission).

Allele frequency attached by ClinVar (database versions not stated): gnomAD exomes 0.00001.
gnomAD v4.1: 7 of 1,172,590 alleles (0.0006%); highest among the groups gnomAD compares: Non-Finnish European, 0.00063%; no homozygotes.

Submission:

Labcorp Genetics (formerly Invitae), Labcorp
Classification: Uncertain significance. Last evaluated: 2022-09-01. Review status: criteria provided, single submitter. Criteria: Invitae Variant Classification Sherloc (09022015). Collection method: clinical testing. Allele origin: germline.
Comment: This sequence change replaces glycine, which is neutral and non-polar, with cysteine, which is neutral and slightly polar, at codon 5 of the CNNM4 protein (p.Gly5Cys). The frequency data for this variant in the population databases is considered unreliable, as metrics indicate insufficient coverage at this position in the gnomAD database. This variant has not been reported in the literature in individuals affected with CNNM4-related conditions. ClinVar contains an entry for this variant (Variation ID: 1361444). Algorithms developed to predict the effect of missense changes on protein structure and function are either unavailable or do not agree on the potential impact of this missense change (SIFT: "Tolerated"; PolyPhen-2: "Not Available"; Align-GVGD: "Class C0"). In summary, the available evidence is currently insufficient to determine the role of this variant in disease. Therefore, it has been classified as a Variant of Uncertain Significance.